The following is an entry in ClinVar:

NM_020041.3(SLC2A9):c.841G>C (p.Asp281His)

Gene: SLC2A9 (solute carrier family 2 member 9; minus strand). Cytogenetic location: 4p16.1.
Variant type: single nucleotide variant.
Coding change: c.841G>C on transcript NM_020041.3 (MANE Select); coding-DNA position 841, G replaced by C.
Protein change: p.Asp281His; replaces aspartic acid 281 with histidine.
Molecular consequence: missense variant.
Genome position (GRCh38, 1-based): chr4:9,920,546, C>G on the plus strand (G>C on the coding strand, the complement: SLC2A9 is on the minus strand). VCF-style: chr4-9920546-C-G. GRCh37 (hg19) VCF-style: chr4-9922170-C-G.
Other names: c.754G>C, p.Asp252His (NM_001001290.2); short protein forms D252H, D281H.
Identifiers: ClinVar variation 350217 (VCV000350217.18), dbSNP rs73225891, ClinGen allele CA2857059.

ClinVar aggregate classification (germline): Benign. Review status: criteria provided, multiple submitters, no conflicts (2 of 4 stars). 5 submissions from 5 submitters: Benign (5). Last evaluated 2026-01-30.

Conditions:
Hypouricemia, renal, 2. Also called: HYPOURICEMIA, RENAL, 2, AUTOSOMAL DOMINANT; HYPOURICEMIA, RENAL, 2, AUTOSOMAL RECESSIVE. Identifiers: MedGen C2677549, MONDO:0012793, OMIM 612076.

Allele frequency attached by ClinVar (database versions not stated): 1000 Genomes Project 30x 0.00578; 1000 Genomes Project 0.00659; TOPMed 0.01463; gnomAD 0.01876 and 0.01958; gnomAD exomes 0.01975 and 0.02436; ESP Exome Variant Server 0.02053; ExAC 0.02118.
gnomAD v4.1: 38,206 of 1,614,140 alleles (2.4%); highest among the groups gnomAD compares: Non-Finnish European, 2.8%; 568 homozygotes.

Submissions (5):

Labcorp Genetics (formerly Invitae), Labcorp
Classification: Benign. Last evaluated: 2026-01-30. Review status: criteria provided, single submitter. Criteria: Invitae Variant Classification Sherloc (09022015). Collection method: clinical testing. Allele origin: germline.

Mayo Clinic Laboratories, Mayo Clinic
Classification: Benign. Last evaluated: 2023-01-13. Review status: criteria provided, single submitter. Criteria: ACMG Guidelines, 2015. Collection method: clinical testing. Allele origin: germline. Observed: 6 variant alleles.
Comment: BS1, BS2

GeneDx
Classification: Benign. Last evaluated: 2020-02-13. Review status: criteria provided, single submitter. Criteria: GeneDx Variant Classification Process June 2021. Collection method: clinical testing. Allele origin: germline. Affected: yes.
Comment: This variant is associated with the following publications: (PMID: 25268603, 30315176)

Illumina Laboratory Services, Illumina
Classification: Benign for Hypouricemia, renal, 2. Last evaluated: 2018-01-13. Review status: criteria provided, single submitter. Criteria: ICSL Variant Classification Criteria 13 December 2019. Collection method: clinical testing. Allele origin: germline.
Comment: This variant was observed in the ICSL laboratory as part of a predisposition screen in an ostensibly healthy population. It had not been previously curated by ICSL or reported in the Human Gene Mutation Database (HGMD: prior to June 1st, 2018), and was therefore a candidate for classification through an automated scoring system. Utilizing variant allele frequency, disease prevalence and penetrance estimates, and inheritance mode, an automated score was calculated to assess if this variant is too frequent to cause the disease. Based on the score and internal cut-off values, a variant classified as benign is not then subjected to further curation. The score for this variant resulted in a classification of benign for this disease.

Breakthrough Genomics
Classification: Benign. Review status: criteria provided, single submitter. Criteria: ACMG Guidelines, 2015. Collection method: not provided. Allele origin: germline. Inheritance: Autosomal dominant inheritance. Affected: yes.

Literature cited by the submitters: PubMed 30315176 (cited by Mayo Clinic Laboratories, Mayo Clinic).